The following is an entry in ClinVar:

NM_001365999.1(SZT2):c.4687C>T (p.Pro1563Ser)

Gene: SZT2 (SZT2 subunit of KICSTOR complex; plus strand). Cytogenetic location: 1p34.2.
Variant type: single nucleotide variant.
Coding change: c.4687C>T on transcript NM_001365999.1 (MANE Select); coding-DNA position 4687, C replaced by T.
Protein change: p.Pro1563Ser; replaces proline 1563 with serine.
Molecular consequence: missense variant.
Genome position (GRCh38, 1-based): chr1:43,430,702, C>T. VCF-style: chr1-43430702-C-T. GRCh37 (hg19) VCF-style: chr1-43896373-C-T.
Other names: c.4516C>T, p.Pro1506Ser (NM_015284.4); short protein forms P1563S, P1506S.
Identifiers: ClinVar variation 1506835 (VCV001506835.6), dbSNP rs375081998, ClinGen allele CA809350.

ClinVar aggregate classification (germline): Uncertain significance (1 of 4 stars; one submission).

Allele frequency attached by ClinVar (database versions not stated): gnomAD exomes below 0.00001; ExAC 0.00001; gnomAD 0.00002; TOPMed 0.00002; ESP Exome Variant Server 0.00008.
gnomAD v4.1: 3 of 1,613,704 alleles (0.00019%); highest among the groups gnomAD compares: African/African-American, 0.0027%; no homozygotes.

Submission:

Labcorp Genetics (formerly Invitae), Labcorp
Classification: Uncertain significance. Last evaluated: 2023-07-07. Review status: criteria provided, single submitter. Criteria: Invitae Variant Classification Sherloc (09022015). Collection method: clinical testing. Allele origin: germline.
Comment: This variant has not been reported in the literature in individuals affected with SZT2-related conditions. In summary, the available evidence is currently insufficient to determine the role of this variant in disease. Therefore, it has been classified as a Variant of Uncertain Significance. Advanced modeling of protein sequence and biophysical properties (such as structural, functional, and spatial information, amino acid conservation, physicochemical variation, residue mobility, and thermodynamic stability) performed at Invitae indicates that this missense variant is not expected to disrupt SZT2 protein function. ClinVar contains an entry for this variant (Variation ID: 1506835). The frequency data for this variant in the population databases is considered unreliable, as metrics indicate poor data quality at this position in the gnomAD database. This sequence change replaces proline, which is neutral and non-polar, with serine, which is neutral and polar, at codon 1506 of the SZT2 protein (p.Pro1506Ser).